The following is an entry in ClinVar:

ClinVar aggregate classification (germline): Pathogenic. Review status: criteria provided, single submitter (1 of 4 stars). 2 submissions from 1 submitter: Pathogenic (1). 1 of the submissions does not count toward it. Last evaluated 2024-03-14.

Conditions:
Joubert syndrome 9 (JBTS9). Identifiers: Orphanet 2318, MedGen C2676788, MONDO:0012849, OMIM 612285.
Meckel syndrome, type 6. Identifiers: Orphanet 564, MedGen C2676790, MONDO:0012848, OMIM 612284.

Submissions (2):

Genomic Medicine Center of Excellence, King Faisal Specialist Hospital and Research Centre
Classification: Pathogenic for Joubert syndrome 9. Last evaluated: 2024-03-14. Review status: criteria provided, single submitter. Criteria: ACMG Guidelines, 2015. Collection method: clinical testing. Allele origin: germline.

Genomic Medicine Center of Excellence, King Faisal Specialist Hospital and Research Centre
Classification: Likely pathogenic for Meckel syndrome, type 6. Review status: no assertion criteria provided. Collection method: research. Allele origin: germline. Affected: yes. Not counted in ClinVar's aggregate classification.
Comment: It was observed with the other variant (NM_001080522.2:c.4531T>C)

NM_001378615.1(CC2D2A):c.2339-2A>C

Genes: CC2D2A (coiled-coil and C2 domain containing 2A; plus strand), FBXL5 (F-box and leucine rich repeat protein 5; minus strand). Cytogenetic location: 4p15.32.
Variant type: single nucleotide variant.
Coding change: c.2339-2A>C on transcript NM_001378615.1 (MANE Select); the canonical splice acceptor site of the intron before coding-DNA position 2339, A replaced by C.
Molecular consequence: splice acceptor variant.
Genome position (GRCh38, 1-based): chr4:15,553,156, A>C. VCF-style: chr4-15553156-A-C. GRCh37 (hg19) VCF-style: chr4-15554779-A-C.
Other names: c.2339-2A>C (NM_001080522.2); c.2192-2A>C (NM_001378617.1).
Identifiers: ClinVar variation 917928 (VCV000917928.2), dbSNP rs1719092280, ClinGen allele CA356418506.